The following is an entry in ClinVar:

NM_032581.4(HYCC1):c.896G>A (p.Arg299Lys)

Gene: HYCC1 (hyccin PI4KA lipid kinase complex subunit 1; minus strand). Cytogenetic location: 7p15.3.
Variant type: single nucleotide variant.
Coding change: c.896G>A on transcript NM_032581.4 (MANE Select); coding-DNA position 896, G replaced by A.
Protein change: p.Arg299Lys; replaces arginine 299 with lysine.
Molecular consequence: missense variant.
Genome position (GRCh38, 1-based): chr7:22,960,351, C>T on the plus strand (G>A on the coding strand, the complement: HYCC1 is on the minus strand). VCF-style: chr7-22960351-C-T. GRCh37 (hg19) VCF-style: chr7-22999970-C-T.
Other names: c.896G>A, p.Arg299Lys (NM_001363466.2, NM_001363467.2); c.896G>A (NM_032581.3); short protein forms R299K.
Identifiers: ClinVar variation 2082165 (VCV002082165.2), dbSNP rs142028582, ClinGen allele CA4185872.
Genomic context (GRCh38, chr7:22,960,351, plus strand): 5'-CTGGTTACTGCATTTCTTGATATTCGAGAGGAAGTTGGTGTGATTTCAACTTGAATACAC[C>T]TTGTACCTTCCTTATTAGATTTCATGGGACCATGAGGCAATGAAGCCTTTATTGCATTAG-3'
Protein context (NP_115970.2, residues 289-309): GPMKSNKEGT[Arg299Lys]CIQVEITPTS

ClinVar aggregate classification (germline): Uncertain significance. Review status: criteria provided, multiple submitters, no conflicts (2 of 4 stars). 2 submissions from 2 submitters: Uncertain significance (2). Last evaluated 2023-04-03.

Conditions:
Hypomyelination and Congenital Cataract (HLD5). Also called: hypomyelinating leukodystrophy 5. Identifiers: Orphanet 85163, MedGen C1864663, MONDO:0012514, OMIM 610532.

Allele frequency attached by ClinVar (database versions not stated): ExAC 0.00001; gnomAD 0.00001; gnomAD exomes 0.00002; ESP Exome Variant Server 0.00015.
gnomAD v4.1: 27 of 1,613,048 alleles (0.0017%); highest among the groups gnomAD compares: Admixed American, 0.0067%; no homozygotes.

Submissions (2):

GeneDx
Classification: Uncertain significance. Last evaluated: 2023-04-03. Review status: criteria provided, single submitter. Criteria: GeneDx Variant Classification Process June 2021. Collection method: clinical testing. Allele origin: germline. Affected: yes.
Comment: In silico analysis supports that this missense variant does not alter protein structure/function; Has not been previously published as pathogenic or benign to our knowledge

Labcorp Genetics (formerly Invitae), Labcorp
Classification: Uncertain significance for Hypomyelination and Congenital Cataract. Last evaluated: 2022-05-12. Review status: criteria provided, single submitter. Criteria: Invitae Variant Classification Sherloc (09022015). Collection method: clinical testing. Allele origin: germline.
Comment: This sequence change replaces arginine, which is basic and polar, with lysine, which is basic and polar, at codon 299 of the FAM126A protein (p.Arg299Lys). This variant is present in population databases (rs142028582, gnomAD 0.01%). This variant has not been reported in the literature in individuals affected with FAM126A-related conditions. Algorithms developed to predict the effect of missense changes on protein structure and function output the following: SIFT: "Tolerated"; PolyPhen-2: "Benign"; Align-GVGD: "Class C0". The lysine amino acid residue is found in multiple mammalian species, which suggests that this missense change does not adversely affect protein function. In summary, the available evidence is currently insufficient to determine the role of this variant in disease. Therefore, it has been classified as a Variant of Uncertain Significance.